The following is an entry in ClinVar:

NM_138694.4(PKHD1):c.934C>T (p.Arg312Trp)

Gene: PKHD1 (PKHD1 ciliary IPT domain containing fibrocystin/polyductin; minus strand). Cytogenetic location: 6p12.2.
Variant type: single nucleotide variant.
Coding change: c.934C>T on transcript NM_138694.4 (MANE Select); coding-DNA position 934, C replaced by T.
Protein change: p.Arg312Trp; replaces arginine 312 with tryptophan.
Molecular consequence: missense variant.
Genome position (GRCh38, 1-based): chr6:52,064,997, G>A on the plus strand (C>T on the coding strand, the complement: PKHD1 is on the minus strand). VCF-style: chr6-52064997-G-A. GRCh37 (hg19) VCF-style: chr6-51929795-G-A.
Other names: p.Arg312Trp; c.934C>T, p.Arg312Trp (NM_170724.3); short protein forms R312W.
Identifiers: ClinVar variation 502343 (VCV000502343.33), dbSNP rs372340268, ClinGen allele CA3853698.

ClinVar aggregate classification (germline): Uncertain significance. Review status: criteria provided, multiple submitters, no conflicts (2 of 4 stars). 9 submissions from 9 submitters: Uncertain significance (6). 3 of the submissions do not count toward it. Last evaluated 2024-07-01.

Conditions:
Autosomal recessive polycystic kidney disease (ARPKD). Also called: AR polycystic kidney disease. Identifiers: Orphanet 731, Orphanet 8378, MedGen C0085548, MeSH D017044, MONDO:0009889.
PKHD1-related disorder. Also called: PKHD1-related condition.
Polycystic kidney disease 4 (PKD4). Also called: PKD3; Autosomal Recessive Polycystic Kidney Disease – PKHD1; POLYCYSTIC KIDNEY DISEASE 4 WITH OR WITHOUT POLYCYSTIC LIVER DISEASE; POLYCYSTIC KIDNEY AND HEPATIC DISEASE 1; POLYCYSTIC KIDNEY DISEASE, INFANTILE, TYPE I. Identifiers: MedGen C4540575, MONDO:0033004, OMIM 263200.
Polycystic kidney disease. Also called: Kidney, Polycystic; Polycystic kidney dysplasia. Identifiers: MedGen C0022680, MeSH D007690, MONDO:0020642, HP:0000113.

Allele frequency attached by ClinVar (database versions not stated): TOPMed 0.00006; gnomAD 0.00010; ESP Exome Variant Server 0.00015.
gnomAD v4.1: 212 of 1,604,132 alleles (0.013%); highest among the groups gnomAD compares: South Asian, 0.039%; no homozygotes.

Submissions (9):

CeGaT Center for Human Genetics Tuebingen
Classification: Uncertain significance. Last evaluated: 2024-07-01. Review status: criteria provided, single submitter. Criteria: CeGaT Center For Human Genetics Tuebingen Variant Classification Criteria Version 2. Collection method: clinical testing. Allele origin: germline. Affected: yes. Observed: 1 variant allele.
Comment: PKHD1: PM2, PM3

Fulgent Genetics
Classification: Uncertain significance for Polycystic kidney disease 4. Last evaluated: 2024-06-19. Review status: criteria provided, single submitter. Criteria: ACMG Guidelines, 2015. Collection method: clinical testing. Allele origin: germline.

Mayo Clinic Laboratories, Mayo Clinic
Classification: Uncertain significance. Last evaluated: 2023-06-09. Review status: criteria provided, single submitter. Criteria: ACMG Guidelines, 2015. Collection method: clinical testing. Allele origin: germline. Observed: 1 variant allele.
Comment: PP4, PM2_moderate

Blueprint Genetics
Classification: Uncertain significance. Last evaluated: 2022-08-05. Review status: criteria provided, single submitter. Criteria: ACMG Guidelines, 2015. Collection method: clinical testing. Allele origin: germline.

Labcorp Genetics (formerly Invitae), Labcorp
Classification: Uncertain significance for Autosomal recessive polycystic kidney disease. Last evaluated: 2021-11-28. Review status: criteria provided, single submitter. Criteria: Invitae Variant Classification Sherloc (09022015). Collection method: clinical testing. Allele origin: germline.
Comment: This sequence change replaces arginine, which is basic and polar, with tryptophan, which is neutral and slightly polar, at codon 312 of the PKHD1 protein (p.Arg312Trp). This variant is present in population databases (rs372340268, gnomAD 0.06%). This missense change has been observed in individual(s) with polycystic kidney disease (PMID: 33123899). In at least one individual the data is consistent with being in trans (on the opposite chromosome) from a pathogenic variant. ClinVar contains an entry for this variant (Variation ID: 502343). Advanced modeling of protein sequence and biophysical properties (such as structural, functional, and spatial information, amino acid conservation, physicochemical variation, residue mobility, and thermodynamic stability) performed at Invitae indicates that this missense variant is not expected to disrupt PKHD1 protein function. In summary, the available evidence is currently insufficient to determine the role of this variant in disease. Therefore, it has been classified as a Variant of Uncertain Significance.

Eurofins Ntd Llc (ga)
Classification: Uncertain significance. Last evaluated: 2018-01-29. Review status: criteria provided, single submitter. Criteria: EGL Classification Definitions 2015. Collection method: clinical testing. Allele origin: germline. Observed: 2 variant alleles, 2 heterozygotes.

PreventionGenetics, part of Exact Sciences
Classification: Uncertain significance for PKHD1-related condition. Last evaluated: 2024-02-02. Review status: no assertion criteria provided. Collection method: clinical testing. Allele origin: germline. Not counted in ClinVar's aggregate classification.
Comment: The PKHD1 c.934C>T variant is predicted to result in the amino acid substitution p.Arg312Trp. This variant was reported with a deletion affecting exons 12-13 of PKHD1 in an individual with hepatic fibrosis and normal renal function (Qiu et al. 2020. PubMed ID: 33123899). This variant is reported in 0.059% of alleles in individuals of South Asian descent in gnomAD. At this time, the clinical significance of this variant is uncertain due to the absence of conclusive functional and genetic evidence.

Natera, Inc.
Classification: Uncertain significance for Autosomal recessive polycystic kidney disease. Last evaluated: 2017-11-16. Review status: no assertion criteria provided. Collection method: clinical testing. Allele origin: germline. Not counted in ClinVar's aggregate classification.

Department of Pathology and Laboratory Medicine, Sinai Health System
Classification: Uncertain significance for Polycystic Kidney disease. Review status: no assertion criteria provided. Collection method: clinical testing. Allele origin: unknown. Affected: yes. Study: The Canadian Open Genetics Repository (COGR). Not counted in ClinVar's aggregate classification.
Comment: The PKHD1 p.Arg312Trp variant was not identified in the literature nor was it identified in the ClinVar, LOVD 3.0, or the RWTH AAachen University ARPKD database. The variant was identified in dbSNP (ID: rs372340268) as â€šÃ„ÃºNAâ€šÃ„Ã¹, and in control databases in 33 of 275364 chromosomes at a frequency of 0.0001 increasing the likelihood this could be a low frequency variant (Genome Aggregation Database Feb 27, 2017). Observations by population include African in 2 of 23724 chromosomes (freq: 0.00008), European Non-Finnish in 11 of 125766 chromosomes (freq: 0.00009), and South Asian in 20 of 30782 chromosomes (freq: 0.0007) and was not observed in the Other, Latino, Ashkenazi Jewish, East Asian, and European Finnish populations. The p.Arg312 residue is conserved in mammals and computational analyses (PolyPhen-2, SIFT, AlignGVGD, BLOSUM, MutationTaster) provide inconsistent predictions regarding the impact to the protein; this information is not very predictive of pathogenicity. The variant occurs outside of the splicing consensus sequence and in silico or computational prediction software programs (SpliceSiteFinder, MaxEntScan, NNSPLICE, GeneSplicer, HumanSpliceFinder) do not predict a difference in splicing. In summary, based on the above information the clinical significance of this variant cannot be determined with certainty at this time. This variant is classified as a variant of uncertain significance.

Literature cited by the submitters: PubMed 33123899 (cited by Mayo Clinic Laboratories, Mayo Clinic and Labcorp Genetics (formerly Invitae), Labcorp).